The following is an entry in ClinVar:

NM_001003800.2(BICD2):c.59A>G (p.Glu20Gly)

Gene: BICD2 (BICD cargo adaptor 2; minus strand). Cytogenetic location: 9q22.31.
Variant type: single nucleotide variant.
Coding change: c.59A>G on transcript NM_001003800.2 (MANE Select); coding-DNA position 59, A replaced by G.
Protein change: p.Glu20Gly; replaces glutamic acid 20 with glycine.
Molecular consequence: missense variant.
Genome position (GRCh38, 1-based): chr9:92,764,686, T>C on the plus strand (A>G on the coding strand, the complement: BICD2 is on the minus strand). VCF-style: chr9-92764686-T-C. GRCh37 (hg19) VCF-style: chr9-95526968-T-C.
Other names: c.59A>G, p.Glu20Gly (NM_015250.4); short protein forms E20G.
Identifiers: ClinVar variation 2082095 (VCV002082095.4), dbSNP rs2537622350, ClinGen allele CA374033010.

ClinVar aggregate classification (germline): Uncertain significance (1 of 4 stars; one submission).

Conditions:
Autosomal dominant childhood-onset proximal spinal muscular atrophy with contractures (SMALED2A). Also called: Spinal muscular atrophy, lower extremity-predominant, 2A, autosomal dominant; SPINAL MUSCULAR ATROPHY, LOWER EXTREMITY-PREDOMINANT, 2A, CHILDHOOD ONSET, AUTOSOMAL DOMINANT. Identifiers: Orphanet 363447, Orphanet 363454, MedGen C4747715, MONDO:0014121, OMIM 615290.

Submission:

Labcorp Genetics (formerly Invitae), Labcorp
Classification: Uncertain significance for Autosomal dominant childhood-onset proximal spinal muscular atrophy with contractures. Last evaluated: 2022-08-21. Review status: criteria provided, single submitter. Criteria: Invitae Variant Classification Sherloc (09022015). Collection method: clinical testing. Allele origin: germline.
Comment: In summary, the available evidence is currently insufficient to determine the role of this variant in disease. Therefore, it has been classified as a Variant of Uncertain Significance. Advanced modeling of protein sequence and biophysical properties (such as structural, functional, and spatial information, amino acid conservation, physicochemical variation, residue mobility, and thermodynamic stability) performed at Invitae indicates that this missense variant is not expected to disrupt BICD2 protein function. This variant has not been reported in the literature in individuals affected with BICD2-related conditions. This variant is not present in population databases (gnomAD no frequency). This sequence change replaces glutamic acid, which is acidic and polar, with glycine, which is neutral and non-polar, at codon 20 of the BICD2 protein (p.Glu20Gly).